The following is an entry in ClinVar:

NM_000214.3(JAG1):c.2803G>T (p.Glu935Ter)

Gene: JAG1 (jagged canonical Notch ligand 1; minus strand). Cytogenetic location: 20p12.2.
Variant type: single nucleotide variant.
Coding change: c.2803G>T on transcript NM_000214.3 (MANE Select); coding-DNA position 2803, G replaced by T.
Protein change: p.Glu935Ter; replaces glutamic acid 935 with a stop codon.
Molecular consequence: nonsense.
Genome position (GRCh38, 1-based): chr20:10,641,573, C>A on the plus strand (G>T on the coding strand, the complement: JAG1 is on the minus strand). VCF-style: chr20-10641573-C-A. GRCh37 (hg19) VCF-style: chr20-10622221-C-A.
Other names: short protein forms E935*.
Identifiers: ClinVar variation 816956 (VCV000816956.1), dbSNP rs753161584, ClinGen allele CA408244939.
Genomic context (GRCh38, chr20:10,641,573, plus strand): 5'-GGTAATAGGAGTCAGAGGTGCACTTTGTCTTCACCGGCTGGAGACTGGAAGACCGACACT[C>A]GCCCACACCAGTGCAGGGGTGGACGAAGCACTGGTCGTCCAGGATGGGGATGCAGCTCTG-3'

ClinVar aggregate classification (germline): Pathogenic (1 of 4 stars; one submission).

Submission:

GeneDx
Classification: Pathogenic. Last evaluated: 2018-10-01. Review status: criteria provided, single submitter. Criteria: GeneDx Variant Classification (06012015). Collection method: clinical testing. Allele origin: germline. Affected: yes.
Comment: The E953X nonsense variant in the JAG1 gene is predicted to cause loss of normal protein function either through protein truncation or nonsense-mediated mRNA decay. This variant is not observed in large population cohorts (Lek et al., 2016). This variant has not been reported previously to our knowledge.